The following is an entry in ClinVar:

NM_032221.5(CHD6):c.34-2A>G

Gene: CHD6 (chromodomain helicase DNA binding protein 6; minus strand). Cytogenetic location: 20q12.
Variant type: single nucleotide variant.
Coding change: c.34-2A>G on transcript NM_032221.5 (MANE Select); the canonical splice acceptor site of the intron before coding-DNA position 34, A replaced by G.
Molecular consequence: splice acceptor variant.
Genome position (GRCh38, 1-based): chr20:41,533,572, T>C on the plus strand (A>G on the coding strand, the complement: CHD6 is on the minus strand). VCF-style: chr20-41533572-T-C. GRCh37 (hg19) VCF-style: chr20-40162211-T-C.
Identifiers: ClinVar variation 4279778 (VCV004279778.1).

ClinVar aggregate classification (germline): Uncertain significance (1 of 4 stars; one submission).

Submission:

Clinical Genomics Laboratory, Washington University in St. Louis
Classification: Uncertain significance. Last evaluated: 2025-06-15. Review status: criteria provided, single submitter. Criteria: ACMG Guidelines, 2015. Collection method: clinical testing. Allele origin: germline.
Comment: The CHD6 c.34-2A>G variant, to our knowledge, has not been reported in the medical literature. This variant is absent from the general population (gnomAD v4.1.0), indicating it is not a common variant. This variant occurs within the canonical splice acceptor site, which is predicted to cause skipping of the exon, leading to an out of frame transcript. Due to limited information, the clinical significance of this variant is uncertain.